The following is an entry in ClinVar:

NM_005235.3(ERBB4):c.283C>T (p.Arg95Cys)

Gene: ERBB4 (erb-b2 receptor tyrosine kinase 4; minus strand). Cytogenetic location: 2q34.
Variant type: single nucleotide variant.
Coding change: c.283C>T on transcript NM_005235.3 (MANE Select); coding-DNA position 283, C replaced by T.
Protein change: p.Arg95Cys; replaces arginine 95 with cysteine.
Molecular consequence: missense variant.
Genome position (GRCh38, 1-based): chr2:211,947,568, G>A on the plus strand (C>T on the coding strand, the complement: ERBB4 is on the minus strand). VCF-style: chr2-211947568-G-A. GRCh37 (hg19) VCF-style: chr2-212812293-G-A.
Other names: c.283C>T, p.Arg95Cys (NM_001042599.2); short protein forms R95C.
Identifiers: ClinVar variation 1388620 (VCV001388620.6), dbSNP rs569995088, ClinGen allele CA2088471.

ClinVar aggregate classification (germline): Uncertain significance (1 of 4 stars; one submission).

Allele frequency attached by ClinVar (database versions not stated): TOPMed 0.00001; gnomAD 0.00002; gnomAD exomes 0.00003; ExAC 0.00005; 1000 Genomes Project 30x 0.00016; 1000 Genomes Project 0.00020.
gnomAD v4.1: 25 of 1,613,720 alleles (0.0015%); highest among the groups gnomAD compares: South Asian, 0.0033%; no homozygotes.

Submission:

Labcorp Genetics (formerly Invitae), Labcorp
Classification: Uncertain significance. Last evaluated: 2023-10-03. Review status: criteria provided, single submitter. Criteria: Invitae Variant Classification Sherloc (09022015). Collection method: clinical testing. Allele origin: germline.
Comment: This sequence change replaces arginine, which is basic and polar, with cysteine, which is neutral and slightly polar, at codon 95 of the ERBB4 protein (p.Arg95Cys). This variant is present in population databases (rs569995088, gnomAD 0.007%). This variant has not been reported in the literature in individuals affected with ERBB4-related conditions. ClinVar contains an entry for this variant (Variation ID: 1388620). Advanced modeling of protein sequence and biophysical properties (such as structural, functional, and spatial information, amino acid conservation, physicochemical variation, residue mobility, and thermodynamic stability) performed at Invitae indicates that this missense variant is not expected to disrupt ERBB4 protein function. In summary, the available evidence is currently insufficient to determine the role of this variant in disease. Therefore, it has been classified as a Variant of Uncertain Significance.